The following is an entry in ClinVar:

NM_000051.4(ATM):c.6463G>A (p.Val2155Met)

Genes: ATM (ATM serine/threonine kinase; plus strand), C11orf65 (chromosome 11 open reading frame 65; minus strand). Cytogenetic location: 11q22.3.
Variant type: single nucleotide variant.
Coding change: c.6463G>A on transcript NM_000051.4 (MANE Select); coding-DNA position 6463, G replaced by A.
Protein change: p.Val2155Met; replaces valine 2155 with methionine.
Molecular consequence: missense variant. On other transcripts: intron variant (2).
Genome position (GRCh38, 1-based): chr11:108,321,311, G>A. VCF-style: chr11-108321311-G-A. GRCh37 (hg19) VCF-style: chr11-108192038-G-A.
Other names: c.6463G>A, p.Val2155Met (NM_001351834.2); c.641-12240C>T (NM_001330368.2); c.*39-12240C>T (NM_001351110.2); short protein forms V2155M.
Identifiers: ClinVar variation 1367705 (VCV001367705.7), dbSNP rs2136238666, ClinGen allele CA382553860.

ClinVar aggregate classification (germline): Uncertain significance (1 of 4 stars; one submission).

Conditions:
Ataxia-telangiectasia syndrome (AT). Also called: Ataxia-telangiectasia; LOUIS-BAR SYNDROME; Ataxia-telangiectasia, complementation group D; AT, COMPLEMENTATION GROUP C; ATAXIA-TELANGIECTASIA, COMPLEMENTATION GROUP A; ATAXIA-TELANGIECTASIA, FRESNO VARIANT. Identifiers: Orphanet 100, MedGen C0004135, MONDO:0008840, OMIM 208900.

Submission:

Labcorp Genetics (formerly Invitae), Labcorp
Classification: Uncertain significance for Ataxia-telangiectasia syndrome. Last evaluated: 2021-07-15. Review status: criteria provided, single submitter. Criteria: Invitae Variant Classification Sherloc (09022015). Collection method: clinical testing. Allele origin: germline.
Comment: This variant is not present in population databases (ExAC no frequency). This sequence change replaces valine with methionine at codon 2155 of the ATM protein (p.Val2155Met). The valine residue is highly conserved and there is a small physicochemical difference between valine and methionine. In summary, the available evidence is currently insufficient to determine the role of this variant in disease. Therefore, it has been classified as a Variant of Uncertain Significance. Advanced modeling of protein sequence and biophysical properties (such as structural, functional, and spatial information, amino acid conservation, physicochemical variation, residue mobility, and thermodynamic stability) performed at Invitae indicates that this missense variant is not expected to disrupt ATM protein function. This variant has not been reported in the literature in individuals affected with ATM-related conditions.